The following is an entry in ClinVar:

ClinVar aggregate classification (germline): Uncertain significance (1 of 4 stars; one submission).

Conditions:
Epidermolysis bullosa simplex 5C, with pyloric atresia (EBS5C). Also called: PLEC1-Related Epidermolysis Bullosa with Pyloric Atresia; Epidermolysis bullosa simplex with pyloric atresia; PLEC-Related Epidermolysis Bullosa with Pyloric Atresia. Identifiers: Orphanet 158684, MedGen C2677349, MONDO:0012807, OMIM 612138.
Epidermolysis bullosa simplex 5B, with muscular dystrophy (EBS5B). Also called: EPIDERMOLYSIS BULLOSA SIMPLEX AND LIMB-GIRDLE MUSCULAR DYSTROPHY; Epidermolysis bullosa simplex with muscular dystrophy. Identifiers: Orphanet 257, MedGen C2931072, MONDO:0009181, OMIM 226670.
Epidermolysis bullosa simplex with nail dystrophy (EBS5D). Identifiers: MedGen C4225309, MONDO:0014661, OMIM 616487.
Epidermolysis bullosa simplex, Ogna type (EBS5A). Also called: Pidermolysis bullosa simplex 5A, Ogna type; EPIDERMOLYSIS BULLOSA SIMPLEX 5A, OGNA TYPE. Identifiers: Orphanet 79401, MedGen C0432317, MONDO:0007555, OMIM 131950.
Autosomal recessive limb-girdle muscular dystrophy type 2Q (LGMDR17). Also called: MUSCULAR DYSTROPHY, LIMB-GIRDLE, AUTOSOMAL RECESSIVE 17. Identifiers: Orphanet 254361, MedGen C3150989, MONDO:0013390, OMIM 613723.

Submission:

Labcorp Genetics (formerly Invitae), Labcorp
Classification: Uncertain significance for Autosomal recessive limb-girdle muscular dystrophy type 2Q; Epidermolysis bullosa simplex, Ogna type; Epidermolysis bullosa simplex with nail dystrophy; Epidermolysis bullosa simplex 5C, with pyloric atresia; Epidermolysis bullosa simplex 5B, with muscular dystrophy. Last evaluated: 2021-08-31. Review status: criteria provided, single submitter. Criteria: Invitae Variant Classification Sherloc (09022015). Collection method: clinical testing. Allele origin: germline.
Comment: This sequence change replaces glutamine with arginine at codon 2188 of the PLEC protein (p.Gln2188Arg). The glutamine residue is highly conserved and there is a small physicochemical difference between glutamine and arginine. This variant is not present in population databases (ExAC no frequency). This variant has not been reported in the literature in individuals affected with PLEC-related conditions. Algorithms developed to predict the effect of missense changes on protein structure and function (SIFT, PolyPhen-2, Align-GVGD) all suggest that this variant is likely to be tolerated. In summary, the available evidence is currently insufficient to determine the role of this variant in disease. Therefore, it has been classified as a Variant of Uncertain Significance.

NM_201384.3(PLEC):c.6482A>G (p.Gln2161Arg)

Gene: PLEC (plectin; minus strand). Cytogenetic location: 8q24.3.
Variant type: single nucleotide variant.
Coding change: c.6482A>G on transcript NM_201384.3 (MANE Select); coding-DNA position 6482, A replaced by G.
Protein change: p.Gln2161Arg; replaces glutamine 2161 with arginine.
Molecular consequence: missense variant.
Genome position (GRCh38, 1-based): chr8:143,923,447, T>C on the plus strand (A>G on the coding strand, the complement: PLEC is on the minus strand). VCF-style: chr8-143923447-T-C. GRCh37 (hg19) VCF-style: chr8-144997615-T-C.
Other names: c.6563A>G, p.Gln2188Arg (NM_000445.5); c.6440A>G, p.Gln2147Arg (NM_201378.4); c.6416A>G, p.Gln2139Arg (NM_201379.3); c.6893A>G, p.Gln2298Arg (NM_201380.4); c.6386A>G, p.Gln2129Arg (NM_201381.3); c.6482A>G, p.Gln2161Arg (NM_201382.4); c.6494A>G, p.Gln2165Arg (NM_201383.3); short protein forms Q2129R, Q2147R, Q2161R, Q2165R, Q2139R, Q2188R, Q2298R.
Identifiers: ClinVar variation 1038201 (VCV001038201.2), dbSNP rs1823655465, ClinGen allele CA372534038.